The following is an entry in ClinVar:

NM_001903.5(CTNNA1):c.1030C>G (p.Leu344Val)

Gene: CTNNA1 (catenin alpha 1; plus strand). Cytogenetic location: 5q31.2.
Variant type: single nucleotide variant.
Coding change: c.1030C>G on transcript NM_001903.5 (MANE Select); coding-DNA position 1030, C replaced by G.
Protein change: p.Leu344Val; replaces leucine 344 with valine.
Molecular consequence: missense variant.
Genome position (GRCh38, 1-based): chr5:138,827,686, C>G. VCF-style: chr5-138827686-C-G. GRCh37 (hg19) VCF-style: chr5-138163375-C-G.
Other names: c.1030C>G, p.Leu344Val (NM_001290307.3, NM_001323982.2, NM_001323983.1 and 3 more transcripts); c.721C>G, p.Leu241Val (NM_001290309.3); c.661C>G, p.Leu221Val (NM_001290310.3); short protein forms L241V, L344V, L221V.
Identifiers: ClinVar variation 1486851 (VCV001486851.6), dbSNP rs1760858000, ClinGen allele CA361131230.

ClinVar aggregate classification (germline): Uncertain significance (1 of 4 stars; one submission).

Allele frequency attached by ClinVar (database versions not stated): gnomAD 0.00001.
gnomAD v4.1: 2 of 1,614,118 alleles (0.00012%); highest among the groups gnomAD compares: Admixed American, 0.0033%; no homozygotes.

Submission:

Labcorp Genetics (formerly Invitae), Labcorp
Classification: Uncertain significance. Last evaluated: 2021-11-05. Review status: criteria provided, single submitter. Criteria: Invitae Variant Classification Sherloc (09022015). Collection method: clinical testing. Allele origin: germline.
Comment: In summary, the available evidence is currently insufficient to determine the role of this variant in disease. Therefore, it has been classified as a Variant of Uncertain Significance. Algorithms developed to predict the effect of missense changes on protein structure and function are either unavailable or do not agree on the potential impact of this missense change (SIFT: "Deleterious"; PolyPhen-2: "Probably Damaging"; Align-GVGD: "Class C0"). This variant has not been reported in the literature in individuals affected with CTNNA1-related conditions. This variant is not present in population databases (gnomAD no frequency). This sequence change replaces leucine, which is neutral and non-polar, with valine, which is neutral and non-polar, at codon 344 of the CTNNA1 protein (p.Leu344Val).